The following is an entry in ClinVar:

NM_000051.4(ATM):c.9161C>G (p.Ala3054Gly)

Genes: ATM (ATM serine/threonine kinase; plus strand), C11orf65 (chromosome 11 open reading frame 65; minus strand). Cytogenetic location: 11q22.3.
Variant type: single nucleotide variant.
Coding change: c.9161C>G on transcript NM_000051.4 (MANE Select); coding-DNA position 9161, C replaced by G.
Protein change: p.Ala3054Gly; replaces alanine 3054 with glycine.
Molecular consequence: missense variant. On other transcripts: intron variant (2).
Genome position (GRCh38, 1-based): chr11:108,365,498, C>G. VCF-style: chr11-108365498-C-G. GRCh37 (hg19) VCF-style: chr11-108236225-C-G.
Other names: c.9161C>G, p.Ala3054Gly (NM_001351834.2); c.640+20422G>C (NM_001330368.2); c.694+20422G>C (NM_001351110.2); short protein forms A3054G.
Identifiers: ClinVar variation 569166 (VCV000569166.11), dbSNP rs1555152117, ClinGen allele CA382532186.

ClinVar aggregate classification (germline): Uncertain significance. Review status: criteria provided, multiple submitters, no conflicts (2 of 4 stars). 3 submissions from 3 submitters: Uncertain significance (3). Last evaluated 2024-05-13.

Conditions:
Hereditary cancer-predisposing syndrome. Also called: Hereditary Cancer Syndrome; Neoplastic Syndromes, Hereditary; Tumor predisposition; Hereditary neoplastic syndrome. Identifiers: Orphanet 140162, MedGen C0027672, MeSH D009386, MONDO:0015356.
Ataxia-telangiectasia syndrome (AT). Also called: Cerebello-oculocutaneous telangiectasia; Immunodeficiency with ataxia telangiectasia; Ataxia-telangiectasia, complementation group E; Ataxia-telangiectasia, complementation group D; AT, COMPLEMENTATION GROUP C; ATAXIA-TELANGIECTASIA, COMPLEMENTATION GROUP A. Identifiers: Orphanet 100, MedGen C0004135, MONDO:0008840, OMIM 208900.

Submissions (3):

Color Diagnostics, LLC DBA Color Health
Classification: Uncertain significance for Hereditary cancer-predisposing syndrome. Last evaluated: 2024-05-13. Review status: criteria provided, single submitter. Criteria: ACMG Guidelines, 2015. Collection method: clinical testing. Allele origin: germline.
Comment: This missense variant replaces alanine with glycine at codon 3054 of the ATM protein. Computational prediction is inconclusive regarding the impact of this variant on protein structure and function (internally defined REVEL score threshold 0.5 < inconclusive < 0.7, PMID: 27666373). To our knowledge, functional studies have not been reported for this variant. This variant has not been reported in individuals affected with ATM-related disorders in the literature. This variant has not been identified in the general population by the Genome Aggregation Database (gnomAD). The available evidence is insufficient to determine the role of this variant in disease conclusively. Therefore, this variant is classified as a Variant of Uncertain Significance.

Labcorp Genetics (formerly Invitae), Labcorp
Classification: Uncertain significance for Ataxia-telangiectasia syndrome. Last evaluated: 2022-10-13. Review status: criteria provided, single submitter. Criteria: Invitae Variant Classification Sherloc (09022015). Collection method: clinical testing. Allele origin: germline.
Comment: Algorithms developed to predict the effect of missense changes on protein structure and function are either unavailable or do not agree on the potential impact of this missense change (SIFT: "Tolerated"; PolyPhen-2: "Probably Damaging"; Align-GVGD: "Class C0"). This sequence change replaces alanine, which is neutral and non-polar, with glycine, which is neutral and non-polar, at codon 3054 of the ATM protein (p.Ala3054Gly). This variant is not present in population databases (gnomAD no frequency). This variant has not been reported in the literature in individuals affected with ATM-related conditions. ClinVar contains an entry for this variant (Variation ID: 569166). Algorithms developed to predict the effect of sequence changes on RNA splicing suggest that this variant may disrupt the consensus splice site. In summary, the available evidence is currently insufficient to determine the role of this variant in disease. Therefore, it has been classified as a Variant of Uncertain Significance.

Ambry Genetics
Classification: Uncertain significance for Hereditary cancer-predisposing syndrome. Last evaluated: 2020-08-26. Review status: criteria provided, single submitter. Criteria: Ambry Variant Classification Scheme 2023. Collection method: clinical testing. Allele origin: germline.
Comment: The p.A3054G variant (also known as c.9161C>G), located in coding exon 62 of the ATM gene, results from a C to G substitution at nucleotide position 9161. The alanine at codon 3054 is replaced by glycine, an amino acid with similar properties. This amino acid position is well conserved in available vertebrate species. In addition, the in silico prediction for this alteration is inconclusive. Since supporting evidence is limited at this time, the clinical significance of this alteration remains unclear.